The following is an entry in ClinVar:

ClinVar aggregate classification (germline): Likely pathogenic (1 of 4 stars; one submission).

Conditions:
Oocyte/zygote/embryo maturation arrest 16. Also called: Preimplantation embryonic lethality 2. Identifiers: MedGen C4310659, MONDO:1010200, OMIM 617234.

Submission:

Laboratory for Molecular Medicine, Mass General Brigham Personalized Medicine
Classification: Likely pathogenic for Oocyte/zygote/embryo maturation arrest 16. Last evaluated: 2024-04-18. Review status: criteria provided, single submitter. Criteria: ACMG Guidelines, 2015. Collection method: clinical testing. Allele origin: germline. Inheritance: Autosomal recessive inheritance.
Comment: The p.Gln241X variant in PADI6 has not been previously reported in individuals with female infertility or preimplantation embryonic lethality nor in large population studies (gnomAD v4.0.0). This nonsense variant leads to a premature termination codon at position 241, which is predicted to lead to a truncated or absent protein. Loss of function variants in PADI6 have been reported in individuals with autosomal recessive preimplantation embryonic lethality and embryos from affected individuals arrested at the 4-8 cell stage, with a couple of pregnancies ending prematurely with miscarriage or the formation of a hydatidiform mole. Immunofluorescence and western blot analysis of oocytes and embryos from these patients showed absence of PADI6 (Xu 2016 PMID: 27545678, reviewed in Williams 2023 PMID: 37778376). Additionally, mouse knockout models of PADI6 have shown that female mice were infertile, due to an arrest of their embryos at the two-cell stage, similar to the human phenotype (Esposito 2007 PMID: 17587491, Yurttas 2008 PMID: 18599511). In summary, although additional studies are required to fully establish its clinical significance, this variant meets criteria to be classified as likely pathogenic for autosomal recessive preimplantation embryonic lethality. ACMG/AMP Criteria applied: PVS1, PM2_Supporting.

Literature cited by the submitters: PubMed 27545678; PubMed 37778376; PubMed 17587491; PubMed 18599511.

NM_207421.4(PADI6):c.721C>T (p.Gln241Ter)

Gene: PADI6 (peptidyl arginine deiminase 6; plus strand). Cytogenetic location: 1p36.13.
Variant type: single nucleotide variant.
Coding change: c.721C>T on transcript NM_207421.4 (MANE Select); coding-DNA position 721, C replaced by T.
Protein change: p.Gln241Ter; replaces glutamine 241 with a stop codon.
Molecular consequence: nonsense.
Genome position (GRCh38, 1-based): chr1:17,388,422, C>T. VCF-style: chr1-17388422-C-T. GRCh37 (hg19) VCF-style: chr1-17714917-C-T.
Other names: short protein forms Q241*.
Identifiers: ClinVar variation 3075995 (VCV003075995.1), dbSNP rs1048529437, ClinGen allele CA18641326.
Genomic context (GRCh38, chr1:17,388,422, plus strand): 5'-TCCCTTCTTTCTCTCCTAGAAGACAACTCCAGTACCTTTGAGTTGGTGCTGGGGCCCGAC[C>T]AGCACGCCTATACCTTGGCCCTCCTCGGGAACCACTTGAAGGAGACTTTCTACGTTGAAG-3'